The following is an entry in ClinVar:

NM_024857.5(ATAD5):c.154A>C (p.Arg52=)

Gene: ATAD5 (ATPase family AAA domain containing 5; plus strand). Cytogenetic location: 17q11.2.
Variant type: single nucleotide variant.
Coding change: c.154A>C on transcript NM_024857.5 (MANE Select); coding-DNA position 154, A replaced by C.
Protein change: p.Arg52=; no amino-acid change (arginine 52 retained).
Molecular consequence: synonymous variant.
Genome position (GRCh38, 1-based): chr17:30,834,235, A>C. VCF-style: chr17-30834235-A-C. GRCh37 (hg19) VCF-style: chr17-29161253-A-C.
Identifiers: ClinVar variation 3041965 (VCV003041965.2), dbSNP rs139839085, ClinGen allele CA8483429.

ClinVar aggregate classification (germline): Likely benign (0 of 4 stars; one submission).

Conditions:
ATAD5-related disorder. Also called: ATAD5-related condition.

Allele frequency attached by ClinVar (database versions not stated): ESP Exome Variant Server 0.00023; TOPMed 0.00023; gnomAD 0.00027; gnomAD exomes 0.00036; 1000 Genomes Project 0.00040; ExAC 0.00046; 1000 Genomes Project 30x 0.00047.
gnomAD v4.1: 583 of 1,613,192 alleles (0.036%); highest among the groups gnomAD compares: Middle Eastern, 0.36%; no homozygotes.

Submission:

PreventionGenetics, part of Exact Sciences
Classification: Likely benign for ATAD5-related condition. Last evaluated: 2019-05-17. Review status: no assertion criteria provided. Collection method: clinical testing. Allele origin: germline.
Comment: This variant is classified as likely benign based on ACMG/AMP sequence variant interpretation guidelines (Richards et al. 2015 PMID: 25741868, with internal and published modifications).